The following is an entry in ClinVar:

NM_024422.6(DSC2):c.2264G>A (p.Gly755Asp)

Gene: DSC2 (desmocollin 2; minus strand). Cytogenetic location: 18q12.1.
Variant type: single nucleotide variant.
Coding change: c.2264G>A on transcript NM_024422.6 (MANE Select); coding-DNA position 2264, G replaced by A.
Protein change: p.Gly755Asp; replaces glycine 755 with aspartic acid.
Molecular consequence: missense variant.
Genome position (GRCh38, 1-based): chr18:31,069,138, C>T on the plus strand (G>A on the coding strand, the complement: DSC2 is on the minus strand). VCF-style: chr18-31069138-C-T. GRCh37 (hg19) VCF-style: chr18-28649104-C-T.
Other names: c.1835G>A, p.Gly612Asp (NM_001406506.1, NM_001406507.1); c.2264G>A, p.Gly755Asp (NM_004949.5); short protein forms G612D, G755D.
Identifiers: ClinVar variation 3072074 (VCV003072074.1), dbSNP rs367990772, ClinGen allele CA402112116.

ClinVar aggregate classification (germline): Uncertain significance (1 of 4 stars; one submission).

Conditions:
Familial isolated arrhythmogenic right ventricular dysplasia. Identifiers: Orphanet 217656, MedGen C4274968, MONDO:0016342.

gnomAD v4.1: 1 of 1,614,072 alleles (0.000062%); highest among the groups gnomAD compares: South Asian, 0.0011%; no homozygotes.

Submission:

All of Us Research Program, National Institutes of Health
Classification: Uncertain significance for Familial isolated arrhythmogenic right ventricular dysplasia. Last evaluated: 2023-06-28. Review status: criteria provided, single submitter. Criteria: ACMG Guidelines, 2015. Collection method: clinical testing. Allele origin: germline. Inheritance: Autosomal dominant inheritance. Observed: 1 variant allele, 1 heterozygote.
Comment: This study involves interpretation of variants in research participants for the purpose of population health screening. Participant phenotype was not available at the time of variant classification. Additional details can be found in publication PMID: 35346344, PMCID: PMC8962531